The following is an entry in ClinVar:

NC_000023.10:g.(?_32235013)_(32519979_?)dup

Gene: DMD (dystrophin; minus strand). Cytogenetic location: Xp21.1.
Variant type: Duplication.
Identifiers: ClinVar variation 658453 (VCV000658453.8).

ClinVar aggregate classification (germline): Pathogenic (1 of 4 stars; one submission).

Conditions:
Duchenne muscular dystrophy (DMD). Also called: MUSCULAR DYSTROPHY, PSEUDOHYPERTROPHIC PROGRESSIVE, DUCHENNE TYPE; Duchenne Muscular Dystrophy (DMD). Identifiers: Orphanet 98896, MedGen C0013264, MONDO:0010679, OMIM 310200.

Submission:

Labcorp Genetics (formerly Invitae), Labcorp
Classification: Pathogenic for Duchenne muscular dystrophy. Last evaluated: 2022-12-20. Review status: criteria provided, single submitter. Criteria: Invitae Variant Classification Sherloc (09022015). Collection method: clinical testing. Allele origin: germline.
Comment: A similar copy number variant has been observed in individuals with Duchenne or Becker muscular dystrophy (PMID: 17561468, 19937601, 25131993, 25972034, 28181689). This variant results in a copy number gain of the genomic region encompassing exon(s) 19-44 of the DMD gene. While the exact position of this variant cannot be determined from the data, sub-genic copy number gains are generally in tandem (PMID: 25640679). This variant is predicted to be in-frame, and likely preserves the integrity of the reading frame. For these reasons, this variant has been classified as Pathogenic.

Literature cited by the submitters: PubMed 17561468; PubMed 19937601; PubMed 25131993; PubMed 25972034; PubMed 28181689; PubMed 25640679.